The following is an entry in ClinVar:

NM_002334.4(LRP4):c.505G>A (p.Gly169Ser)

Gene: LRP4 (LDL receptor related protein 4; minus strand). Cytogenetic location: 11p11.2.
Variant type: single nucleotide variant.
Coding change: c.505G>A on transcript NM_002334.4 (MANE Select); coding-DNA position 505, G replaced by A.
Protein change: p.Gly169Ser; replaces glycine 169 with serine.
Molecular consequence: missense variant.
Genome position (GRCh38, 1-based): chr11:46,899,429, C>T on the plus strand (G>A on the coding strand, the complement: LRP4 is on the minus strand). VCF-style: chr11-46899429-C-T. GRCh37 (hg19) VCF-style: chr11-46920980-C-T.
Other names: short protein forms G169S.
Identifiers: ClinVar variation 535797 (VCV000535797.11), dbSNP rs201585639, ClinGen allele CA5970480.
Genomic context (GRCh38, chr11:46,899,429, plus strand): 5'-AGGTCTGGGGCCACTCACGACAGTTCTCCTCATCGGAGCCATCTTTGCAGTCGGTGTCAC[C>T]GTCGCAGTACCAATGCTCAGCAATGCAGCTTCCGTCACTACAGCGGAACTCCTTGTCGGA-3'
Protein context (NP_002325.2, residues 159-179): SCIAEHWYCD[Gly169Ser]DTDCKDGSDE

ClinVar aggregate classification (germline): Uncertain significance. Review status: criteria provided, multiple submitters, no conflicts (2 of 4 stars). 4 submissions from 4 submitters: Uncertain significance (3). 1 of the submissions does not count toward it. Last evaluated 2025-03-26.

Conditions:
Sclerosteosis 2 (SOST2). Identifiers: Orphanet 3152, MedGen C3280402, MONDO:0013679, OMIM 614305.
Cenani-Lenz syndactyly syndrome. Also called: SYNDACTYLY, TYPE VII; CENANI SYNDACTYLISM. Identifiers: Orphanet 3258, MedGen C1859309, MONDO:0008931, OMIM 212780.
Congenital myasthenic syndrome 17. Identifiers: Orphanet 590, MedGen C4225377, MONDO:0014578, OMIM 616304.
LRP4-related disorder. Also called: LRP4-related condition.

Allele frequency attached by ClinVar (database versions not stated): TOPMed 0.00029; 1000 Genomes Project 30x 0.00047; gnomAD exomes 0.00005; ExAC 0.00007; gnomAD 0.00025; ESP Exome Variant Server 0.00015; 1000 Genomes Project 0.00060.
gnomAD v4.1: 85 of 1,614,162 alleles (0.0053%); highest among the groups gnomAD compares: African/African-American, 0.072%; 1 homozygote.

Submissions (4):

Revvity Omics, Revvity
Classification: Uncertain significance. Last evaluated: 2025-03-26. Review status: criteria provided, single submitter. Criteria: ACMG Guidelines, 2015. Collection method: clinical testing. Allele origin: germline.

Fulgent Genetics
Classification: Uncertain significance for Cenani-Lenz syndactyly syndrome; Sclerosteosis 2; Congenital myasthenic syndrome 17. Last evaluated: 2024-06-11. Review status: criteria provided, single submitter. Criteria: ACMG Guidelines, 2015. Collection method: clinical testing. Allele origin: germline.

Labcorp Genetics (formerly Invitae), Labcorp
Classification: Uncertain significance for Cenani-Lenz syndactyly syndrome; Sclerosteosis 2; Congenital myasthenic syndrome 17. Last evaluated: 2022-08-01. Review status: criteria provided, single submitter. Criteria: Invitae Variant Classification Sherloc (09022015). Collection method: clinical testing. Allele origin: germline.
Comment: This sequence change replaces glycine, which is neutral and non-polar, with serine, which is neutral and polar, at codon 169 of the LRP4 protein (p.Gly169Ser). This variant is present in population databases (rs201585639, gnomAD 0.06%). This variant has not been reported in the literature in individuals affected with LRP4-related conditions. ClinVar contains an entry for this variant (Variation ID: 535797). Algorithms developed to predict the effect of missense changes on protein structure and function are either unavailable or do not agree on the potential impact of this missense change (SIFT: "Deleterious"; PolyPhen-2: "Possibly Damaging"; Align-GVGD: "Class C0"). In summary, the available evidence is currently insufficient to determine the role of this variant in disease. Therefore, it has been classified as a Variant of Uncertain Significance.

PreventionGenetics, part of Exact Sciences
Classification: Uncertain significance for LRP4-related condition. Last evaluated: 2024-05-07. Review status: no assertion criteria provided. Collection method: clinical testing. Allele origin: germline. Not counted in ClinVar's aggregate classification.
Comment: The LRP4 c.505G>A variant is predicted to result in the amino acid substitution p.Gly169Ser. To our knowledge, this variant has not been reported in the literature. This variant is reported in 0.056% of alleles in individuals of African descent in gnomAD. At this time, the clinical significance of this variant is uncertain due to the absence of conclusive functional and genetic evidence.